The following is an entry in ClinVar:

NM_002693.3(POLG):c.2663G>A (p.Gly888Asp)

Gene: POLG (DNA polymerase gamma, catalytic subunit; minus strand). Cytogenetic location: 15q26.1.
Variant type: single nucleotide variant.
Coding change: c.2663G>A on transcript NM_002693.3 (MANE Select); coding-DNA position 2663, G replaced by A.
Protein change: p.Gly888Asp; replaces glycine 888 with aspartic acid.
Molecular consequence: missense variant.
Genome position (GRCh38, 1-based): chr15:89,321,196, C>T on the plus strand (G>A on the coding strand, the complement: POLG is on the minus strand). VCF-style: chr15-89321196-C-T. GRCh37 (hg19) VCF-style: chr15-89864427-C-T.
Other names: c.2663G>A, p.Gly888Asp (NM_001126131.2); short protein forms G888D.
Identifiers: ClinVar variation 239379 (VCV000239379.16), dbSNP rs878854560, ClinGen allele CA10583269.

ClinVar aggregate classification (germline): Conflicting classifications of pathogenicity. Review status: criteria provided, conflicting classifications (1 of 4 stars). 5 submissions from 5 submitters: Pathogenic (1); Likely pathogenic (2); Uncertain significance (1). 1 of the submissions does not count toward it. Last evaluated 2026-05-22.

Conditions:
POLG-related disorder. Also called: POLG-related condition; POLG-Related Disorders; POLG-Related Spectrum Disorders. Identifiers: MedGen C4763519.
Progressive sclerosing poliodystrophy (MTDPS4A). Also called: Alpers Syndrome; Mitochondrial DNA Depletion Syndrome 4A; Mitochondrial DNA depletion syndrome 4A (Alpers type); ALPERS DIFFUSE DEGENERATION OF CEREBRAL GRAY MATTER WITH HEPATIC CIRRHOSIS; Alpers-Huttenlocher Syndrome; NEURONAL DEGENERATION OF CHILDHOOD WITH LIVER DISEASE, PROGRESSIVE. Identifiers: Orphanet 726, MedGen C0205710, MONDO:0008758, OMIM 203700.
Mitochondrial disease. Also called: Mitochondrial disorders; Mitochondrial disorder. Identifiers: Orphanet 68380, MedGen C0751651, MeSH D028361, MONDO:0044970.

Allele frequency attached by ClinVar (database versions not stated): gnomAD exomes below 0.00001.
gnomAD v4.1: 7 of 1,614,232 alleles (0.00043%); highest among the groups gnomAD compares: Non-Finnish European, 0.00051%; no homozygotes.

Submissions (5):

Victorian Clinical Genetics Services, Murdoch Childrens Research Institute
Classification: Likely pathogenic for Mitochondrial disease. Last evaluated: 2026-05-22. Review status: criteria provided, single submitter. Criteria: ACMG Guidelines, 2015. Collection method: clinical testing. Allele origin: germline. Affected: yes.
Comment: This variant is classified as Likely pathogenic. Evidence in support of pathogenic classification: Variant is present in gnomAD (v4) <0.01 (7 heterozygotes, 0 homozygotes); This variant has moderate previous evidence of pathogenicity in unrelated individuals. This variant has been identified in three unrelated individuals, all of whom have a second POLG variant and a diagnosis or Alpers syndrome or suspected mitochondrial disorder (PMIDs: 21880868, 22980518, 21167499, ClinVar). It has also been reported as a VUS by a clinical laboratory in ClinVar, however, the variant was present in a heterozygous state with no second POLG variant identified (personal communicaiton); Missense variant consistently predicted to be damaging by multiple in silico tools or highly conserved with a major amino acid change. Additional information: Variant is predicted to result in a missense amino acid change from glycine to aspartic acid; This gene is associated with both recessive and dominant disease. Variants are usually inherited in a recessive manner, however progressive external ophthalmoplegia can also be dominant when heterozygous variants are located in the highly conserved active site of motif B of the polymerase domain (PMID: 30451971); No published segregation evidence has been identified for this variant; No published functional evidence has been identified for this variant; Other missense variants comparable to the one identified in this case have conflicting previous evidence for pathogenicity. An alternative change, p.(Gly888Ser), has been reported as pathogenic in a compound heterozygous individual with Alpers syndrome (ClinVar, PMID: 17923349). Two other alternative changes, p.(Gly888Arg) and p.(Gly888Cys), have been reported as VUS by clinical laboratories in ClinVar; Variant is located in the annotated DNA_pol_gammaA domain (NCBI); Loss of function is a known mechanism of disease in this gene and is associated with mitochondrial disease (MONDO#0044970), POLG-related; Variants in this gene are known to have variable expressivity (PMID: 20301791).

GeneDx
Classification: Uncertain significance. Last evaluated: 2026-03-24. Review status: criteria provided, single submitter. Criteria: GeneDx Variant Classification Process June 2021. Collection method: clinical testing. Allele origin: germline.
Comment: In silico analysis supports that this missense variant has a deleterious effect on protein structure/function; Not observed at significant frequency in large population cohorts (gnomAD); This variant is associated with the following publications: (PMID: 30634555, 25065347, 22980518, 21167499, 21880868)

Myriad Genetics, Inc.
Classification: Likely pathogenic for POLG-related disorder. Last evaluated: 2025-05-29. Review status: criteria provided, single submitter. Criteria: Myriad Autosomal Dominant, Autosomal Recessive and X-Linked Classification Criteria (2023). Collection method: clinical testing. Allele origin: unknown.
Comment: NM_002693.2(POLG):c.2663G>A(G888D) is a missense variant classified as likely pathogenic in the context of POLG-related disorders. G888D has been observed in cases with relevant disease (PMID: 21880868, 29261183, 30634555). Relevant functional assessments of this variant are not available in the literature. Internal structural analysis of the variant is supportive of pathogenicity. G888D has not been observed in referenced population frequency databases. In summary, NM_002693.2(POLG):c.2663G>A(G888D) is a missense variant that has internal structural support for pathogenicity and has been observed more frequently in cases with the relevant disease than in healthy populations. Please note: this variant was assessed in the context of healthy population screening.

Wong Mito Lab, Molecular and Human Genetics, Baylor College of Medicine
Classification: Pathogenic for Progressive sclerosing poliodystrophy. Last evaluated: 2018-10-01. Review status: criteria provided, single submitter. Criteria: ACMG Guidelines, 2015. Collection method: clinical testing. Allele origin: germline.
Comment: The NM_002693.2:c.2663G>A (NP_002684.1:p.Gly888Asp) [GRCH38: NC_000015.10:g.89321196C>T] variant in POLG gene is interpretated to be a Pathogenic based on ACMG guidelines (PMID: 25741868). This variant meets the following evidence codes reported in the ACMG-guideline. PS1:This variation causes same amino-acid change as an established pathogenic variant. PM1:This variant is in mutational hot spot or a well-studied functional domain without benign variation. PM2:This variant is absent in key population databases. PM3:Detected in trans with a pathogenic variant for Mitochondrial DNA depletion syndrome 4A (Alpers type) which is a recessive disorder. PP1:This variant is co-segregated with Mitochondrial DNA depletion syndrome 4A (Alpers type) in multiple affected family members. PP2:This is a missense variant in POLG with a low rate of benign and high rate of pathogenic missense variations. PP3:Computational evidence/predictors indicate the variant has deleterious effect on POLG structure, function, or protein-protein interaction. PP4:Patient's phenotype or family history is highly specific for POLG. Based on the evidence criteria codes applied, the variant is suggested to be Pathogenic.

Labcorp Genetics (formerly Invitae), Labcorp
Classification: Uncertain significance for Progressive sclerosing poliodystrophy. Last evaluated: 2016-03-19. Review status: flagged submission. Criteria: Invitae Variant Classification Sherloc (09022015). Collection method: clinical testing. Allele origin: germline. Not counted in ClinVar's aggregate classification.
Comment: This sequence change replaces glycine with aspartic acid at codon 888 of the POLG protein (p.Gly888Asp). The glycine residue is highly conserved and there is a moderate physicochemical difference between glycine and aspartic acid. This variant is not present in population databases (ExAC no frequency). This variant has been reported in combination with a pathogenic variant in an individual affected with a POLG-related disease (PMID: 21880868). Algorithms developed to predict the effect of missense changes on protein structure and function (SIFT, PolyPhen-2, Align-GVGD) all suggest that this variant is likely to be disruptive, but these predictions have not been confirmed by published functional studies. In summary, this variant is a rare missense change with uncertain impact on protein function. While it is absent from the population and reported in affected individuals, the available evidence is currently insufficient to determine its role in disease. Therefore, it has been classified as a Variant of Uncertain Significance.
ClinVar note: Reason: Older and outlier claim with insufficient supporting evidence

Literature cited by the submitters: PubMed 20301791 (cited by Victorian Clinical Genetics Services, Murdoch Childrens Research Institute); PubMed 21880868 (cited by 3 submitters); PubMed 30451971 (cited by Victorian Clinical Genetics Services, Murdoch Childrens Research Institute); PubMed 22980518 (cited by Victorian Clinical Genetics Services, Murdoch Childrens Research Institute); PubMed 17923349 (cited by Victorian Clinical Genetics Services, Murdoch Childrens Research Institute); PubMed 21167499 (cited by Victorian Clinical Genetics Services, Murdoch Childrens Research Institute); PubMed 29261183 (cited by Myriad Genetics, Inc.); PubMed 30634555 (cited by Myriad Genetics, Inc.).